The following is an entry in ClinVar:

NM_004320.6(ATP2A1):c.1849G>A (p.Ala617Thr)

Gene: ATP2A1 (ATPase sarcoplasmic/endoplasmic reticulum Ca2+ transporting 1; plus strand). Cytogenetic location: 16p11.2.
Variant type: single nucleotide variant.
Coding change: c.1849G>A on transcript NM_004320.6 (MANE Select); coding-DNA position 1849, G replaced by A.
Protein change: p.Ala617Thr; replaces alanine 617 with threonine.
Molecular consequence: missense variant.
Genome position (GRCh38, 1-based): chr16:28,900,665, G>A. VCF-style: chr16-28900665-G-A. GRCh37 (hg19) VCF-style: chr16-28911986-G-A.
Other names: c.1474G>A, p.Ala492Thr (NM_001286075.2); c.1849G>A, p.Ala617Thr (NM_173201.5); short protein forms A492T, A617T.
Identifiers: ClinVar variation 2146786 (VCV002146786.4), dbSNP rs1269654455, ClinGen allele CA395411082.

ClinVar aggregate classification (germline): Uncertain significance (1 of 4 stars; one submission).

Conditions:
Brody myopathy. Also called: BRODY DISEASE. Identifiers: Orphanet 53347, MedGen C1832918, MONDO:0010977, OMIM 601003.

Allele frequency attached by ClinVar (database versions not stated): gnomAD exomes below 0.00001; TOPMed below 0.00001.
gnomAD v4.1: 5 of 1,609,900 alleles (0.00031%); highest among the groups gnomAD compares: Non-Finnish European, 0.00034%; no homozygotes.

Submission:

Labcorp Genetics (formerly Invitae), Labcorp
Classification: Uncertain significance for Brody myopathy. Last evaluated: 2022-05-28. Review status: criteria provided, single submitter. Criteria: Invitae Variant Classification Sherloc (09022015). Collection method: clinical testing. Allele origin: germline.
Comment: This variant is present in population databases (no rsID available, gnomAD 0.007%). This sequence change replaces alanine, which is neutral and non-polar, with threonine, which is neutral and polar, at codon 617 of the ATP2A1 protein (p.Ala617Thr). This variant has not been reported in the literature in individuals affected with ATP2A1-related conditions. Algorithms developed to predict the effect of missense changes on protein structure and function are either unavailable or do not agree on the potential impact of this missense change (SIFT: "Deleterious"; PolyPhen-2: "Probably Damaging"; Align-GVGD: "Class C0"). In summary, the available evidence is currently insufficient to determine the role of this variant in disease. Therefore, it has been classified as a Variant of Uncertain Significance.